The following is an entry in ClinVar:

ClinVar aggregate classification (germline): Likely benign (1 of 4 stars; one submission).

gnomAD v4.1: 3 of 1,608,396 alleles (0.00019%); highest among the groups gnomAD compares: East Asian, 0.0022%; no homozygotes.

Submission:

CeGaT Center for Human Genetics Tuebingen
Classification: Likely benign. Last evaluated: 2026-07-01. Review status: criteria provided, single submitter. Criteria: CeGaT Center For Human Genetics Tuebingen Variant Classification Criteria Version 2. Collection method: clinical testing. Allele origin: germline. Affected: yes. Observed: 1 variant allele.
Comment: AGTR1: BP4, BP7

NM_000685.5(AGTR1):c.300A>G (p.Leu100=)

Gene: AGTR1 (angiotensin II receptor type 1; plus strand). Cytogenetic location: 3q24.
Variant type: single nucleotide variant.
Coding change: c.300A>G on transcript NM_000685.5 (MANE Select); coding-DNA position 300, A replaced by G.
Protein change: p.Leu100=; no amino-acid change (leucine 100 retained).
Molecular consequence: synonymous variant.
Genome position (GRCh38, 1-based): chr3:148,741,335, A>G. VCF-style: chr3-148741335-A-G. GRCh37 (hg19) VCF-style: chr3-148459122-A-G.
Other names: c.300A>G, p.Leu100= (NM_001382736.1, NM_001382737.1, NM_004835.5 and 3 more transcripts).
Identifiers: ClinVar variation 5040297 (VCV005040297.1).